The following is an entry in ClinVar:

ClinVar aggregate classification (germline): Uncertain significance. Review status: criteria provided, multiple submitters, no conflicts (2 of 4 stars). 3 submissions from 3 submitters: Uncertain significance (2). 1 of the submissions does not count toward it. Last evaluated 2025-09-04.

Conditions:
Inborn genetic diseases. Identifiers: MedGen C0950123, MeSH D030342.
Nemaline myopathy 2 (NEM2). Also called: Nemaline myopathy 2, autosomal recessive. Identifiers: MedGen C1850569, MONDO:0009725, OMIM 256030.

Allele frequency attached by ClinVar (database versions not stated): gnomAD exomes below 0.00001; gnomAD 0.00001; TOPMed 0.00001.
gnomAD v4.1: 4 of 1,607,124 alleles (0.00025%); highest among the groups gnomAD compares: African/African-American, 0.0013%; no homozygotes.

Submissions (3):

Ambry Genetics
Classification: Uncertain significance for Inborn genetic diseases. Last evaluated: 2025-09-04. Review status: criteria provided, single submitter. Criteria: Ambry Variant Classification Scheme 2023. Collection method: clinical testing. Allele origin: germline.

Labcorp Genetics (formerly Invitae), Labcorp
Classification: Uncertain significance for Nemaline myopathy 2. Last evaluated: 2018-02-27. Review status: criteria provided, single submitter. Criteria: Invitae Variant Classification Sherloc (09022015). Collection method: clinical testing. Allele origin: germline.
Comment: In summary, the available evidence is currently insufficient to determine the role of this variant in disease. Therefore, it has been classified as a Variant of Uncertain Significance. Algorithms developed to predict the effect of missense changes on protein structure and function do not agree on the potential impact of this missense change (SIFT: "Deleterious"; Align-GVGD: "Class C0"). This variant has not been reported in the literature in individuals with NEB-related disease. This variant is not present in population databases (ExAC no frequency). This sequence change replaces tyrosine with cysteine at codon 3619 of the NEB protein (p.Tyr3619Cys). The tyrosine residue is moderately conserved and there is a large physicochemical difference between tyrosine and cysteine.

Natera, Inc.
Classification: Uncertain significance for Nemaline myopathy type 2. Last evaluated: 2020-07-02. Review status: no assertion criteria provided. Collection method: clinical testing. Allele origin: germline. Not counted in ClinVar's aggregate classification.

NM_001164508.2(NEB):c.10856A>G (p.Tyr3619Cys)

Gene: NEB (nebulin; minus strand). Cytogenetic location: 2q23.3.
Variant type: single nucleotide variant.
Coding change: c.10856A>G on transcript NM_001164508.2 (MANE Select); coding-DNA position 10856, A replaced by G.
Protein change: p.Tyr3619Cys; replaces tyrosine 3619 with cysteine.
Molecular consequence: missense variant.
Genome position (GRCh38, 1-based): chr2:151,619,467, T>C on the plus strand (A>G on the coding strand, the complement: NEB is on the minus strand). VCF-style: chr2-151619467-T-C. GRCh37 (hg19) VCF-style: chr2-152475981-T-C.
Other names: c.10856A>G, p.Tyr3619Cys (NM_001164507.2, NM_001271208.2); c.10127A>G, p.Tyr3376Cys (NM_004543.5); c.10127A>G (NM_004543.4); short protein forms Y3619C, Y3376C.
Identifiers: ClinVar variation 571030 (VCV000571030.13), dbSNP rs1049205301, ClinGen allele CA57641500.